The following is an entry in ClinVar:

NM_006593.4(TBR1):c.695G>T (p.Arg232Leu)

Gene: TBR1 (T-box brain transcription factor 1; plus strand). Cytogenetic location: 2q24.2.
Variant type: single nucleotide variant.
Coding change: c.695G>T on transcript NM_006593.4 (MANE Select); coding-DNA position 695, G replaced by T.
Protein change: p.Arg232Leu; replaces arginine 232 with leucine.
Molecular consequence: missense variant.
Genome position (GRCh38, 1-based): chr2:161,417,678, G>T. VCF-style: chr2-161417678-G-T. GRCh37 (hg19) VCF-style: chr2-162274189-G-T.
Other names: short protein forms R232L.
Identifiers: ClinVar variation 4818893 (VCV004818893.1).

ClinVar aggregate classification (germline): Uncertain significance (1 of 4 stars; one submission).

Conditions:
Intellectual developmental disorder with autism and speech delay. Also called: Autism, susceptibility to, 5; Autism 5; AUTISM-RELATED SPEECH DELAY; PHRASE SPEECH DELAY, AUTISM-RELATED; AUTS5. Identifiers: MedGen C1853755, MONDO:0011627, OMIM 606053.

Submission:

MVZ Medizinische Genetik Mainz
Classification: Uncertain significance for Intellectual developmental disorder with autism and speech delay. Last evaluated: 2026-03-10. Review status: criteria provided, single submitter. Criteria: UK Practice Guidelines For Variant Classification V4 01 2020. Collection method: clinical testing. Allele origin: germline. Inheritance: Autosomal dominant inheritance. Affected: yes. Observed: 1 variant allele.
Comment: ACMG Criteria: PP3_MOD,PM2_SUP, PM1_sup